The following is an entry in ClinVar:

ClinVar aggregate classification (germline): Uncertain significance. Review status: criteria provided, multiple submitters, no conflicts (2 of 4 stars). 3 submissions from 3 submitters: Uncertain significance (3). Last evaluated 2022-08-23.

Conditions:
Inborn genetic diseases. Identifiers: MedGen C0950123, MeSH D030342.
Aicardi-Goutieres syndrome 5. Identifiers: Orphanet 51, MedGen C2749659, MONDO:0013059, OMIM 612952.

Allele frequency attached by ClinVar (database versions not stated): gnomAD exomes 0.00001 and 0.00002; ExAC 0.00003; gnomAD 0.00007 and 0.00009; ESP Exome Variant Server 0.00008; TOPMed 0.00008; 1000 Genomes Project 30x 0.00016; 1000 Genomes Project 0.00020.
gnomAD v4.1: 38 of 1,614,154 alleles (0.0024%); highest among the groups gnomAD compares: African/African-American, 0.032%; no homozygotes.

Submissions (3):

Labcorp Genetics (formerly Invitae), Labcorp
Classification: Uncertain significance for Aicardi-Goutieres syndrome 5. Last evaluated: 2022-08-23. Review status: criteria provided, single submitter. Criteria: Invitae Variant Classification Sherloc (09022015). Collection method: clinical testing. Allele origin: germline.
Comment: This sequence change replaces arginine, which is basic and polar, with histidine, which is basic and polar, at codon 56 of the SAMHD1 protein (p.Arg56His). This variant is present in population databases (rs147891080, gnomAD 0.02%). This variant has not been reported in the literature in individuals affected with SAMHD1-related conditions. ClinVar contains an entry for this variant (Variation ID: 1396649). Algorithms developed to predict the effect of missense changes on protein structure and function output the following: SIFT: "Deleterious"; PolyPhen-2: "Benign"; Align-GVGD: "Class C0". The histidine amino acid residue is found in multiple mammalian species, which suggests that this missense change does not adversely affect protein function. In summary, the available evidence is currently insufficient to determine the role of this variant in disease. Therefore, it has been classified as a Variant of Uncertain Significance.

Women's Health and Genetics/Laboratory Corporation of America, LabCorp
Classification: Uncertain significance. Last evaluated: 2022-06-21. Review status: criteria provided, single submitter. Criteria: LabCorp Variant Classification Summary - May 2015. Collection method: clinical testing. Allele origin: germline.
Comment: Variant summary: SAMHD1 c.167G>A (p.Arg56His) results in a non-conservative amino acid change located in the Sterile alpha motif domain (IPR001660) of the encoded protein sequence. Four of five in-silico tools predict a benign effect of the variant on protein function. The variant allele was found at a frequency of 1.6e-05 in 249990 control chromosomes (gnomAD). The available data on variant occurrences in the general population are insufficient to allow any conclusion about variant significance. To our knowledge, no occurrence of c.167G>A in individuals affected with Aicardi Goutieres Syndrome and no experimental evidence demonstrating its impact on protein function have been reported. One ClinVar submitter has assessed the variant since 2014: the variant was classified as of uncertain significance. Based on the evidence outlined above, the variant was classified as uncertain significance.

Ambry Genetics
Classification: Uncertain significance for Inborn genetic diseases. Last evaluated: 2021-07-23. Review status: criteria provided, single submitter. Criteria: Ambry Variant Classification Scheme 2023. Collection method: clinical testing. Allele origin: germline.

NM_015474.4(SAMHD1):c.167G>A (p.Arg56His)

Gene: SAMHD1 (SAM and HD domain containing deoxynucleoside triphosphate triphosphohydrolase 1; minus strand). Cytogenetic location: 20q11.23.
Variant type: single nucleotide variant.
Coding change: c.167G>A on transcript NM_015474.4 (MANE Select); coding-DNA position 167, G replaced by A.
Protein change: p.Arg56His; replaces arginine 56 with histidine.
Molecular consequence: missense variant.
Genome position (GRCh38, 1-based): chr20:36,951,477, C>T on the plus strand (G>A on the coding strand, the complement: SAMHD1 is on the minus strand). VCF-style: chr20-36951477-C-T. GRCh37 (hg19) VCF-style: chr20-35579880-C-T.
Other names: c.167G>A, p.Arg56His (NM_001363729.2, NM_001363733.2); short protein forms R56H.
Identifiers: ClinVar variation 1396649 (VCV001396649.5), dbSNP rs147891080, ClinGen allele CA9844823.
Genomic context (GRCh38, chr20:36,951,477, plus strand): 5'-GCCCCTCCGGAGCCGCTACCTCGGATGTTCTTCAGCAGCACCGGCTCTTCAAAGCCACCG[C>T]GCCTGAGGAAGGAGCACACCTGCTCCGGACCCCATGTCTTGTAGTCGGGATGGAGTTCCA-3'
Protein context (NP_056289.2, residues 46-66): GPEQVCSFLR[Arg56His]GGFEEPVLLK